The following is an entry in ClinVar:

NM_004104.5(FASN):c.3232GTG[2] (p.Val1080del)

Gene: FASN (fatty acid synthase; minus strand). Cytogenetic location: 17q25.3.
Variant type: Microsatellite.
Coding change: c.3232GTG[2] on transcript NM_004104.5 (MANE Select); two copies in a row of the 3-base unit GTG starting at c.3232; the reference has three copies in a row; one copy, 3 bases deleted.
Protein change: p.Val1080del; deletes valine 1080.
Molecular consequence: inframe deletion.
Genome position (GRCh38, 1-based): chr17:82,087,237-82,087,239, CAC deleted on the plus strand (GTG on the coding strand, the reverse complement: FASN is on the minus strand); deleting any 3 consecutive bases within chr17:82,087,237-82,087,245 gives the same sequence; the position shown is the placement nearest the transcript's 3' end. VCF-style (leftmost placement, unchanged base first): chr17-82087236-TCAC-T. GRCh37 (hg19) VCF-style: chr17-80045112-TCAC-T.
Other names: short protein forms V1080del.
Identifiers: ClinVar variation 1008094 (VCV001008094.8), dbSNP rs760111042, ClinGen allele CA8852457.

ClinVar aggregate classification (germline): Uncertain significance (1 of 4 stars; one submission).

Conditions:
Epileptic encephalopathy. Identifiers: MedGen C0543888, HP:0200134.

Submission:

Labcorp Genetics (formerly Invitae), Labcorp
Classification: Uncertain significance for Epileptic encephalopathy. Last evaluated: 2024-06-09. Review status: criteria provided, single submitter. Criteria: Invitae Variant Classification Sherloc (09022015). Collection method: clinical testing. Allele origin: germline.
Comment: This variant, c.3238_3240del, results in the deletion of 1 amino acid(s) of the FASN protein (p.Val1080del), but otherwise preserves the integrity of the reading frame. This variant is present in population databases (rs760111042, gnomAD 0.006%). This variant has not been reported in the literature in individuals affected with FASN-related conditions. Experimental studies and prediction algorithms are not available or were not evaluated, and the functional significance of this variant is currently unknown. In summary, the available evidence is currently insufficient to determine the role of this variant in disease. Therefore, it has been classified as a Variant of Uncertain Significance.